The following is an entry in ClinVar:

ClinVar aggregate classification (germline): Conflicting classifications of pathogenicity. Review status: criteria provided, conflicting classifications (1 of 4 stars). 11 submissions from 11 submitters: Uncertain significance (5); Benign (2); Likely benign (1). 3 of the submissions do not count toward it. Last evaluated 2026-05-15.

Conditions:
CYP21A2-related disorder. Also called: CYP21A2-related condition.
21-Hydroxylase-Deficient Congenital Adrenal Hyperplasia. Also called: ADRENAL HYPERPLASIA III; ADRENAL HYPERPLASIA, CONGENITAL, DUE TO 21-HYDROXYLASE DEFICIENCY. Identifiers: MedGen C2936858, OMIM 201910.

Allele frequency attached by ClinVar (database versions not stated): ESP Exome Variant Server 0.00951; gnomAD 0.01770; 1000 Genomes Project 0.02516; 1000 Genomes Project 30x 0.02545.
gnomAD v4.1: 27,215 of 1,587,566 alleles (1.7%); highest among the groups gnomAD compares: East Asian, 6.3%; 685 homozygotes.

Submissions (11):

PreventionGenetics, part of Exact Sciences
Classification: Uncertain significance for CYP21A2-related condition. Last evaluated: 2026-05-15. Review status: criteria provided, single submitter. Criteria: ACMG Guidelines, 2015. Collection method: clinical testing. Allele origin: germline.
Comment: The CYP21A2 c.*13G>A variant is located in the 3' untranslated region. This variant has been reported to be possibly associated with a mild form (non-classic) of congenital adrenal hyperplasia (CAH) (Menabò et al. 2012. PubMed ID: 21521936; Gialluisi et al. 2018. PubMed ID: 28644547; Nguyen et al. 2022. PubMed ID: 36325983; Wan et al. 2022. PubMed ID: 36167262). Its minor allele frequency is up to ~7.5% in East Asian individuals. However, this minor allele frequency is based on the current next-generation sequencing technology and may not be an accurate estimate because this variant is located within a highly homologous sequence region (Mandelker et al. 2016. PubMed ID: 27228465). Allele frequency data should be interpreted with caution. This variant has conflicting interpretations in ClinVar (Variation ID: 585747), ranging from uncertain significance to benign. Although we suspect that this variant could be benign, at this time, the clinical significance of this variant is uncertain due to limited functional and genetic evidence.

Women's Health and Genetics/Laboratory Corporation of America, LabCorp
Classification: Benign. Last evaluated: 2026-04-29. Review status: criteria provided, single submitter. Criteria: LabCorp Variant Classification Summary - May 2015. Collection method: clinical testing. Allele origin: germline.
Comment: Variant summary: CYP21A2 c.*13G>A is located in the untranslated mRNA region downstream of the termination codon. The variant allele was found at a frequency of 0.025 in 236776 control chromosomes in the gnomAD database, including 131 homozygotes. The observed variant frequency exceeds the estimated maximal expected allele frequency for disease-causing variants in CYP21A2. c.*13G>A has been observed in individual(s) affected with Congenital Adrenal Hyperplasia (Menabo_2012, Gialluisi_2018, Parajes_2007, Nguyen_2022, Wan_2022). These report(s) do not provide unequivocal conclusions about association of the variant with Congenital Adrenal Hyperplasia. At least one publication reports experimental evidence evaluating an impact on protein function. These results showed no damaging effect of this variant in COS-1 cells (Menabo_2012). The following publications have been ascertained in the context of this evaluation (PMID: 28644547, 21521936, 36325983, 17634211, 36167262). ClinVar contains an entry for this variant (Variation ID: 585747). Based on the evidence outlined above, the variant was classified as benign.

3billion
Classification: Uncertain significance for 21-Hydroxylase-Deficient Congenital Adrenal Hyperplasia. Last evaluated: 2025-12-10. Review status: criteria provided, single submitter. Criteria: ACMG Guidelines, 2015. Collection method: clinical testing. Allele origin: germline. Affected: yes.
Comment: The variant is observed in the gnomAD v4.1.0 dataset (total allele frequency: 1.714%). Predicted Consequence/Location: 3' UTR variant Functional studies provide moderate evidence of the variant having a damaging effect on the gene or gene product (PMID: 21521936). The variant has been reported to be in trans with a pathogenic variant as either compound heterozygous or homozygous in at least one similarly affected unrelated individual (PMID: 21521936, 33809035). The variant has been reported as benign without evidence for the classification (ClinVar ID: VCV000585747). Therefore, this variant is classified as VUS according to the recommendation of ACMG/AMP guideline.

Athena Diagnostics
Classification: Uncertain significance. Last evaluated: 2025-04-15. Review status: criteria provided, single submitter. Criteria: Athena Diagnostics Criteria. Collection method: clinical testing. Allele origin: unknown.
Comment: Available data are insufficient to determine the clinical significance of the variant at this time. This variant is located in a genomic region of low or unreliable sequencing quality, and therefore estimations of its population frequency are uninformative in assessment of variant pathogenicity. This variant has been seen in trans with other recessive pathogenic CYP21A2 variants in multiple individuals with classic and also nonclassic forms of CAH. Assessment of experimental evidence regarding the effect of this variant on protein function is inconclusive. Results from PMID: 21521936 show a reduction in mRNA levels due to this variant, however, neither protein levels nor protein activity were assayed. This variant is also referred to by nucleotide 4397 in some published literature.

Blueprint Genetics
Classification: Likely benign. Last evaluated: 2024-11-26. Review status: criteria provided, single submitter. Criteria: ACMG Guidelines, 2015. Collection method: clinical testing. Allele origin: germline.

Newborn Screening Ontario, Children's Hospital of Eastern Ontario (CHEO)
Classification: Uncertain significance for 21-Hydroxylase-Deficient Congenital Adrenal Hyperplasia. Last evaluated: 2023-02-01. Review status: criteria provided, single submitter. Criteria: ACMG Guidelines, 2015. Collection method: clinical testing. Allele origin: germline. Inheritance: Autosomal recessive inheritance.

Mendelics
Classification: Benign for 21-Hydroxylase-Deficient Congenital Adrenal Hyperplasia. Last evaluated: 2019-05-28. Review status: criteria provided, single submitter. Criteria: Mendelics Assertion Criteria 2017. Collection method: clinical testing. Allele origin: unknown.

Fulgent Genetics
Classification: Uncertain significance for 21-Hydroxylase-Deficient Congenital Adrenal Hyperplasia. Last evaluated: 2018-10-31. Review status: criteria provided, single submitter. Criteria: ACMG Guidelines, 2015. Collection method: clinical testing. Allele origin: unknown.

Zotz-Klimas Genetics Lab, MVZ Zotz Klimas
Classification: Pathogenic for 21-Hydroxylase-Deficient Congenital Adrenal Hyperplasia. Last evaluated: 2023-10-30. Review status: no assertion criteria provided. Collection method: clinical testing. Allele origin: germline. Affected: yes. Not counted in ClinVar's aggregate classification.

Diagnostic Laboratory, Department of Genetics, University Medical Center Groningen
Classification: Likely benign. Review status: no assertion criteria provided. Collection method: clinical testing. Allele origin: germline. Affected: yes. Study: VKGL Data-share Consensus. Not counted in ClinVar's aggregate classification.

Joint Genome Diagnostic Labs from Nijmegen and Maastricht, Radboudumc and MUMC+
Classification: Benign. Review status: no assertion criteria provided. Collection method: clinical testing. Allele origin: germline. Affected: yes. Study: VKGL Data-share Consensus. Not counted in ClinVar's aggregate classification.

Literature cited by the submitters: PubMed 17634211 (cited by Women's Health and Genetics/Laboratory Corporation of America, LabCorp); PubMed 36167262 (cited by Women's Health and Genetics/Laboratory Corporation of America, LabCorp); PubMed 36325983 (cited by Women's Health and Genetics/Laboratory Corporation of America, LabCorp); PubMed 28644547 (cited by Women's Health and Genetics/Laboratory Corporation of America, LabCorp); PubMed 21521936 (cited by 3 submitters); PubMed 33809035 (cited by 3billion and Athena Diagnostics); PubMed 23342490 (cited by Athena Diagnostics); PubMed 28487735 (cited by Athena Diagnostics); PubMed 32236851 (cited by Athena Diagnostics); PubMed 38307397 (cited by Athena Diagnostics); PubMed 37450097 (cited by Athena Diagnostics); PubMed 31344365 (cited by Athena Diagnostics); PubMed 36873089 (cited by Athena Diagnostics); PubMed 39451515 (cited by Athena Diagnostics); PubMed 32616876 (cited by Athena Diagnostics); PubMed 33666875 (cited by Athena Diagnostics).

NM_000500.9(CYP21A2):c.*13G>A

Gene: CYP21A2 (cytochrome P450 family 21 subfamily A member 2; plus strand). Cytogenetic location: 6p21.33.
Variant type: single nucleotide variant.
Coding change: c.*13G>A on transcript NM_000500.9 (MANE Select); 13 bases downstream of the stop codon, G replaced by A.
Molecular consequence: 3 prime UTR variant.
Genome position (GRCh38, 1-based): chr6:32,041,147, G>A. VCF-style: chr6-32041147-G-A. GRCh37 (hg19) VCF-style: chr6-32008924-G-A.
Other names: c.*13G>A (NM_000500.2, NM_001128590.4, NM_001368143.2 and 1 more transcripts).
Identifiers: ClinVar variation 585747 (VCV000585747.24), dbSNP rs6447, ClinGen allele CA3732748.